The following is an entry in ClinVar:

ClinVar aggregate classification (germline): Likely benign. Review status: criteria provided, multiple submitters, no conflicts (2 of 4 stars). 2 submissions from 2 submitters: Likely benign (2). Last evaluated 2025-02-01.

gnomAD v4.1: 25 of 1,585,926 alleles (0.0016%); highest among the groups gnomAD compares: Admixed American, 0.0033%; no homozygotes.

Submissions (2):

CeGaT Center for Human Genetics Tuebingen
Classification: Likely benign. Last evaluated: 2025-02-01. Review status: criteria provided, single submitter. Criteria: CeGaT Center For Human Genetics Tuebingen Variant Classification Criteria Version 2. Collection method: clinical testing. Allele origin: germline. Affected: yes. Observed: 1 variant allele.
Comment: PKD1: BP4, BP7

Blueprint Genetics
Classification: Likely benign. Last evaluated: 2023-08-15. Review status: criteria provided, single submitter. Criteria: ACMG Guidelines, 2015. Collection method: clinical testing. Allele origin: germline.

NM_001009944.3(PKD1):c.7941G>A (p.Thr2647=)

Gene: PKD1 (polycystin 1, transient receptor potential channel interacting; minus strand). Cytogenetic location: 16p13.3.
Variant type: single nucleotide variant.
Coding change: c.7941G>A on transcript NM_001009944.3 (MANE Select); coding-DNA position 7941, G replaced by A.
Protein change: p.Thr2647=; no amino-acid change (threonine 2647 retained).
Molecular consequence: synonymous variant.
Genome position (GRCh38, 1-based): chr16:2,105,397, C>T on the plus strand (G>A on the coding strand, the complement: PKD1 is on the minus strand). VCF-style: chr16-2105397-C-T. GRCh37 (hg19) VCF-style: chr16-2155398-C-T.
Other names: c.7941G>A, p.Thr2647= (NM_000296.4).
Identifiers: ClinVar variation 3771683 (VCV003771683.14).
Genomic context (GRCh38, chr16:2,105,397, plus strand): 5'-CGCAGCAGCGATCTGCTGGATGTCATCCACAGTGTGGACCCTCAGGGACACCAGAGTCTC[C>T]GTGATGTTCTTGCGTATCTGGGCTCGGTGCTGCCGCTCGTGCTTGGGCTCTGCCGCCACG-3'
Protein context (NP_001009944.3, residues 2637-2657): QHRAQIRKNI[Thr2647=]ETLVSLRVHT